The following is an entry in ClinVar:

NM_032043.3(BRIP1):c.2777C>A (p.Ala926Glu)

Gene: BRIP1 (BRCA1 interacting DNA helicase 1; minus strand). Cytogenetic location: 17q23.2.
Variant type: single nucleotide variant.
Coding change: c.2777C>A on transcript NM_032043.3 (MANE Select); coding-DNA position 2777, C replaced by A.
Protein change: p.Ala926Glu; replaces alanine 926 with glutamic acid.
Molecular consequence: missense variant.
Genome position (GRCh38, 1-based): chr17:61,685,964, G>T on the plus strand (C>A on the coding strand, the complement: BRIP1 is on the minus strand). VCF-style: chr17-61685964-G-T. GRCh37 (hg19) VCF-style: chr17-59763325-G-T.
Other names: short protein forms A926E.
Identifiers: ClinVar variation 1795860 (VCV001795860.4), dbSNP rs1483709056, ClinGen allele CA400481555.

ClinVar aggregate classification (germline): Uncertain significance. Review status: criteria provided, multiple submitters, no conflicts (2 of 4 stars). 2 submissions from 2 submitters: Uncertain significance (2). Last evaluated 2024-05-22.

Conditions:
Familial cancer of breast. Also called: BREAST CANCER, FAMILIAL; hereditary breast carcinoma; Hereditary breast cancer. Identifiers: Orphanet 227535, MedGen C0346153, MONDO:0016419, OMIM 114480. Disease mechanism: loss of function.
Fanconi anemia complementation group J. Also called: BRIP1-Related Fanconi Anemia. Identifiers: Orphanet 84, MedGen C1836860, MONDO:0012187, OMIM 609054.
Hereditary cancer-predisposing syndrome. Also called: Neoplastic Syndromes, Hereditary; Tumor predisposition; Hereditary neoplastic syndrome; Hereditary Cancer Syndrome. Identifiers: Orphanet 140162, MedGen C0027672, MeSH D009386, MONDO:0015356.

Submissions (2):

Labcorp Genetics (formerly Invitae), Labcorp
Classification: Uncertain significance for Familial cancer of breast; Fanconi anemia complementation group J. Last evaluated: 2024-05-22. Review status: criteria provided, single submitter. Criteria: Invitae Variant Classification Sherloc (09022015). Collection method: clinical testing. Allele origin: germline.
Comment: This sequence change replaces alanine, which is neutral and non-polar, with glutamic acid, which is acidic and polar, at codon 926 of the BRIP1 protein (p.Ala926Glu). This variant is not present in population databases (gnomAD no frequency). This variant has not been reported in the literature in individuals affected with BRIP1-related conditions. ClinVar contains an entry for this variant (Variation ID: 1795860). Advanced modeling of protein sequence and biophysical properties (such as structural, functional, and spatial information, amino acid conservation, physicochemical variation, residue mobility, and thermodynamic stability) performed at Invitae indicates that this missense variant is not expected to disrupt BRIP1 protein function with a negative predictive value of 80%. In summary, the available evidence is currently insufficient to determine the role of this variant in disease. Therefore, it has been classified as a Variant of Uncertain Significance.

Ambry Genetics
Classification: Uncertain significance for Hereditary cancer-predisposing syndrome. Last evaluated: 2015-11-20. Review status: criteria provided, single submitter. Criteria: Ambry Variant Classification Scheme 2023. Collection method: clinical testing. Allele origin: germline.
Comment: The p.A926E variant (also known as c.2777C>A), located in coding exon 18 of the BRIP1 gene, results from a C to A substitution at nucleotide position 2777. The alanine at codon 926 is replaced by glutamic acid, an amino acid with dissimilar properties. This variant was not reported in population based cohorts in the following databases: Database of Single Nucleotide Polymorphisms (dbSNP), NHLBI Exome Sequencing Project (ESP), and 1000 Genomes Project. In the ESP, this variant was not observed in 6503 samples (13006 alleles) with coverage at this position. To date, this alteration has been detected with an allele frequency of approximately 0.001% (greater than 120000 alleles tested) in our clinical cohort. This amino acid position is not well conserved on limited sequence alignment. In addition, this alteration is predicted to be tolerated by in silico analysis. Since supporting evidence is limited at this time, the clinical significance of p.A926E remains unclear.